The following is an entry in ClinVar:

ClinVar aggregate classification (germline): Uncertain significance. Review status: criteria provided, multiple submitters, no conflicts (2 of 4 stars). 2 submissions from 2 submitters: Uncertain significance (2). Last evaluated 2023-03-12.

Conditions:
Hereditary cancer-predisposing syndrome. Also called: Hereditary Cancer Syndrome; Neoplastic Syndromes, Hereditary; Tumor predisposition; Hereditary neoplastic syndrome. Identifiers: Orphanet 140162, MedGen C0027672, MeSH D009386, MONDO:0015356.

Submissions (2):

Ambry Genetics
Classification: Uncertain significance for Hereditary cancer-predisposing syndrome. Last evaluated: 2023-03-12. Review status: criteria provided, single submitter. Criteria: Ambry Variant Classification Scheme 2023. Collection method: clinical testing. Allele origin: germline.
Comment: The p.D1269Y variant (also known as c.3805G>T), located in coding exon 9 of the BRCA1 gene, results from a G to T substitution at nucleotide position 3805. The aspartic acid at codon 1269 is replaced by tyrosine, an amino acid with highly dissimilar properties. This amino acid position is conserved. In addition, the in silico prediction for this alteration is inconclusive. Since supporting evidence is limited at this time, the clinical significance of this alteration remains unclear.

Blueprint Genetics
Classification: Uncertain significance. Last evaluated: 2018-09-19. Review status: criteria provided, single submitter. Criteria: ACMG Guidelines, 2015. Collection method: clinical testing. Allele origin: germline.

NM_007294.4(BRCA1):c.3805G>T (p.Asp1269Tyr)

Genes: BRCA1 (BRCA1 DNA repair associated; minus strand), LOC126862571 (BRD4-independent group 4 enhancer GRCh37_chr17:41243136-41244335; plus strand). Cytogenetic location: 17q21.31.
Variant type: single nucleotide variant.
Coding change: c.3805G>T on transcript NM_007294.4 (MANE Select); coding-DNA position 3805, G replaced by T.
Protein change: p.Asp1269Tyr; replaces aspartic acid 1269 with tyrosine.
Molecular consequence: missense variant. On other transcripts: intron variant (135).
Genome position (GRCh38, 1-based): chr17:43,091,726, C>A on the plus strand (G>T on the coding strand, the complement: BRCA1 is on the minus strand). VCF-style: chr17-43091726-C-A. GRCh37 (hg19) VCF-style: chr17-41243743-C-A.
Other names: c.3592G>T, p.Asp1198Tyr (NM_001407571.1, NM_001407853.1, NM_001407894.1 and 9 more transcripts); c.3805G>T, p.Asp1269Tyr (NM_001407581.1, NM_001407582.1, NM_001407583.1 and 30 more transcripts); c.3802G>T, p.Asp1268Tyr (NM_001407587.1, NM_001407590.1, NM_001407591.1 and 22 more transcripts); c.3796G>T, p.Asp1266Tyr (NM_001407646.1, NM_001407647.1); c.3682G>T, p.Asp1228Tyr (NM_001407648.1, NM_001407664.1, NM_001407665.1 and 19 more transcripts); c.3679G>T, p.Asp1227Tyr (NM_001407649.1, NM_001407670.1, NM_001407671.1 and 11 more transcripts); c.3727G>T, p.Asp1243Tyr (NM_001407653.1, NM_001407654.1, NM_001407655.1 and 4 more transcripts); c.3724G>T, p.Asp1242Tyr (NM_001407659.1, NM_001407660.1, NM_001407661.1 and 1 more transcripts); and 41 more; short protein forms D1142Y, D1227Y, D1228Y, D1243Y, D1268Y, D1269Y, D1157Y, D1158Y.
Identifiers: ClinVar variation 2450697 (VCV002450697.3), dbSNP rs2154286157, ClinGen allele CA10594359.